The following is an entry in ClinVar:

ClinVar aggregate classification (germline): Uncertain significance (1 of 4 stars; one submission).

gnomAD v4.1: 44 of 1,559,062 alleles (0.0028%); highest among the groups gnomAD compares: East Asian, 0.009%; no homozygotes.

Submissions (2):

Women's Health and Genetics/Laboratory Corporation of America, LabCorp
Classification: Uncertain significance. Last evaluated: 2025-06-11. Review status: criteria provided, single submitter. Criteria: LabCorp Variant Classification Summary - May 2015. Collection method: clinical testing. Allele origin: germline.
Comment: Variant summary: KIF14 c.3660A>G (p.Ser1220Ser) alters a conserved nucleotide located close to a canonical splice site and therefore could affect mRNA splicing, leading to a significantly altered protein sequence. Several computational tools predict a significant impact on normal splicing: Two predict the variant abolishes a 5' splicing donor site. One predicts the variant weakens a 5' donor site. However, these predictions have yet to be confirmed by functional studies. The variant allele was found at a frequency of 2.4e-05 in 247506 control chromosomes. The available data on variant occurrences in the general population are insufficient to allow any conclusion about variant significance. c.3660A>G has been observed in at-least one individual with cerebral palsy, without strong evidence of causality (example: Wang_2024). These report(s) do not provide unequivocal conclusions about association of the variant with Joubert Syndrome And Related Disorders. To our knowledge, no experimental evidence demonstrating an impact on protein function has been reported. The following publication has been ascertained in the context of this evaluation (PMID: 38693247). No submitters have cited clinical-significance assessments for this variant to ClinVar. Based on the evidence outlined above, the variant was classified as uncertain significance.

Dr. Peter K. Rogan Lab, Western University
No classification provided (evidence only). Condition: Sarcoma. Review status: no classification provided. Collection method: in vitro. Allele origin: not applicable. Functional consequence: retained intron. Not counted in ClinVar's aggregate classification.

Literature cited by the submitters: PubMed 38693247 (cited by Women's Health and Genetics/Laboratory Corporation of America, LabCorp).

NM_014875.3(KIF14):c.3660A>G (p.Ser1220=)

Gene: KIF14 (kinesin family member 14; minus strand). Cytogenetic location: 1q32.1.
Variant type: single nucleotide variant.
Coding change: c.3660A>G on transcript NM_014875.3 (MANE Select); coding-DNA position 3660, A replaced by G.
Protein change: p.Ser1220=; no amino-acid change (serine 1220 retained).
Molecular consequence: synonymous variant.
Genome position (GRCh38, 1-based): chr1:200,569,912, T>C on the plus strand (A>G on the coding strand, the complement: KIF14 is on the minus strand). VCF-style: chr1-200569912-T-C. GRCh37 (hg19) VCF-style: chr1-200539040-T-C.
Other names: NC_000001.10:g.200539040T>C; c.2187A>G, p.Ser729= (NM_001305792.1).
Identifiers: ClinVar variation 3907184 (VCV003907184.2).